The following is an entry in ClinVar:

ClinVar aggregate classification (germline): Pathogenic (1 of 4 stars; one submission).

Conditions:
Glycine encephalopathy. Also called: Nonketotic hyperglycinemia; Non-ketotic hyperglycinemia. Identifiers: Orphanet 407, MedGen C0751748, MONDO:0011612, HP:0008288.

Submission:

Labcorp Genetics (formerly Invitae), Labcorp
Classification: Pathogenic for Glycine encephalopathy. Last evaluated: 2022-05-27. Review status: criteria provided, single submitter. Criteria: Invitae Variant Classification Sherloc (09022015). Collection method: clinical testing. Allele origin: germline.
Comment: For these reasons, this variant has been classified as Pathogenic. This variant has not been reported in the literature in individuals affected with AMT-related conditions. This variant is a gross deletion of the genomic region encompassing exon(s) 1-3 of the AMT gene, which includes the initiator codon. This deletion extends beyond the assayed region for this gene and therefore may encompass additional genes. It is expected to result in an absent or disrupted protein product. Loss-of-function variants in AMT are known to be pathogenic (PMID: 16450403).

Literature cited by the submitters: PubMed 16450403.

NC_000003.12:g.(?_49421482)_(49424348_?)del

Genes: AMT (aminomethyltransferase; minus strand), NICN1 (nicolin 1, tubulin polyglutamylase complex subunit; minus strand). Cytogenetic location: 3p21.31.
Variant type: Deletion.
Identifiers: ClinVar variation 832706 (VCV000832706.9).